The following is an entry in ClinVar:

NM_001308093.3(GATA4):c.149G>A (p.Gly50Asp)

Gene: GATA4 (GATA binding protein 4). Cytogenetic location: 8p23.1.
Variant type: single nucleotide variant.
Coding change: c.149G>A on transcript NM_001308093.3 (MANE Select); coding-DNA position 149, G replaced by A.
Protein change: p.Gly50Asp; replaces glycine 50 with aspartic acid.
Molecular consequence: missense variant. On other transcripts: intron variant (3).
Genome position (GRCh38, 1-based): chr8:11,708,461, G>A. VCF-style: chr8-11708461-G-A. GRCh37 (hg19) VCF-style: chr8-11565970-G-A.
Other names: c.149G>A, p.Gly50Asp (NM_002052.5); c.-6+7683G>A (NM_001308094.2); c.-3+447G>A (NM_001374274.1); c.-3+4157G>A (NM_001374273.1); short protein forms G50D.
Identifiers: ClinVar variation 3253309 (VCV003253309.1), dbSNP rs570058215.

ClinVar aggregate classification (germline): Uncertain significance (1 of 4 stars; one submission).

gnomAD v4.1: 1 of 1,531,154 alleles (0.000065%); highest among the groups gnomAD compares: Non-Finnish European, 0.000087%; no homozygotes.

Submission:

GeneDx
Classification: Uncertain significance. Last evaluated: 2024-05-03. Review status: criteria provided, single submitter. Criteria: GeneDx Variant Classification Process June 2021. Collection method: clinical testing. Allele origin: germline. Affected: yes.
Comment: Has not been previously published as pathogenic or benign to our knowledge; Not observed at significant frequency in large population cohorts (gnomAD); In silico analysis supports that this missense variant has a deleterious effect on protein structure/function